The following is an entry in ClinVar:

NM_016213.5(TRIP4):c.1677C>T (p.Ile559=)

Genes: TRIP4 (thyroid hormone receptor interactor 4; plus strand), LOC126862156 (MED14-independent group 3 enhancer GRCh37_chr15:64736443-64737642; plus strand). Cytogenetic location: 15q22.31.
Variant type: single nucleotide variant.
Coding change: c.1677C>T on transcript NM_016213.5 (MANE Select); coding-DNA position 1677, C replaced by T.
Protein change: p.Ile559=; no amino-acid change (isoleucine 559 retained).
Molecular consequence: synonymous variant. On other transcripts: non-coding transcript variant (1).
Genome position (GRCh38, 1-based): chr15:64,445,107, C>T. VCF-style: chr15-64445107-C-T. GRCh37 (hg19) VCF-style: chr15-64737306-C-T.
Other names: c.987C>T, p.Ile329= (NM_001321924.2).
Identifiers: ClinVar variation 4823723 (VCV004823723.4).

ClinVar aggregate classification (germline): Likely benign (1 of 4 stars; one submission).

gnomAD v4.1: 14 of 1,570,438 alleles (0.00089%); highest among the groups gnomAD compares: Admixed American, 0.023%; no homozygotes.

Submission:

CeGaT Center for Human Genetics Tuebingen
Classification: Likely benign. Last evaluated: 2026-03-01. Review status: criteria provided, single submitter. Criteria: CeGaT Center For Human Genetics Tuebingen Variant Classification Criteria Version 2. Collection method: clinical testing. Allele origin: germline. Affected: yes. Observed: 1 variant allele.
Comment: TRIP4: BP4, BP7